The following is an entry in ClinVar:

NM_014974.3(DIP2C):c.1037C>T (p.Pro346Leu)

Gene: DIP2C (DIP2 acetate--CoA ligase C (putative); minus strand). Cytogenetic location: 10p15.3.
Variant type: single nucleotide variant.
Coding change: c.1037C>T on transcript NM_014974.3 (MANE Select); coding-DNA position 1037, C replaced by T.
Protein change: p.Pro346Leu; replaces proline 346 with leucine.
Molecular consequence: missense variant.
Genome position (GRCh38, 1-based): chr10:413,933, G>A on the plus strand (C>T on the coding strand, the complement: DIP2C is on the minus strand). VCF-style: chr10-413933-G-A. GRCh37 (hg19) VCF-style: chr10-459873-G-A.
Other names: short protein forms P346L.
Identifiers: ClinVar variation 2050959 (VCV002050959.4), dbSNP rs778988828, ClinGen allele CA5381113.

ClinVar aggregate classification (germline): Uncertain significance (1 of 4 stars; one submission).

Allele frequency attached by ClinVar (database versions not stated): ExAC 0.00001; gnomAD 0.00001; TOPMed 0.00001.
gnomAD v4.1: 8 of 1,613,974 alleles (0.0005%); highest among the groups gnomAD compares: Admixed American, 0.0083%; no homozygotes.

Submission:

Labcorp Genetics (formerly Invitae), Labcorp
Classification: Uncertain significance. Last evaluated: 2023-06-14. Review status: criteria provided, single submitter. Criteria: Invitae Variant Classification Sherloc (09022015). Collection method: clinical testing. Allele origin: germline.
Comment: This variant has not been reported in the literature in individuals affected with DIP2C-related conditions. This sequence change replaces proline, which is neutral and non-polar, with leucine, which is neutral and non-polar, at codon 346 of the DIP2C protein (p.Pro346Leu). This variant is present in population databases (rs778988828, gnomAD 0.01%). ClinVar contains an entry for this variant (Variation ID: 2050959). An algorithm developed to predict the effect of missense changes on protein structure and function (PolyPhen-2) suggests that this variant is likely to be tolerated. In summary, the available evidence is currently insufficient to determine the role of this variant in disease. Therefore, it has been classified as a Variant of Uncertain Significance.